The following is an entry in ClinVar:

ClinVar aggregate classification (germline): Pathogenic. Review status: criteria provided, multiple submitters, no conflicts (2 of 4 stars). 2 submissions from 2 submitters: Pathogenic (2). Last evaluated 2024-05-29.

Conditions:
Mitochondrial DNA depletion syndrome 13. Also called: Mitochondrial DNA depletion syndrome 13 (encephalomyopathic type); FBXL4-Related Encephalomyopathic Mitochondrial DNA Depletion Syndrome. Identifiers: Orphanet 369897, MedGen C3809592, MONDO:0014198, OMIM 615471.

Submissions (2):

Labcorp Genetics (formerly Invitae), Labcorp
Classification: Pathogenic. Last evaluated: 2024-05-29. Review status: criteria provided, single submitter. Criteria: Invitae Variant Classification Sherloc (09022015). Collection method: clinical testing. Allele origin: germline.
Comment: This sequence change creates a premature translational stop signal (p.Asn210Leufs*9) in the FBXL4 gene. It is expected to result in an absent or disrupted protein product. Loss-of-function variants in FBXL4 are known to be pathogenic (PMID: 23993193, 23993194, 25868664). This variant is not present in population databases (gnomAD no frequency). This variant has not been reported in the literature in individuals affected with FBXL4-related conditions. ClinVar contains an entry for this variant (Variation ID: 694444). For these reasons, this variant has been classified as Pathogenic.

Laboratory of Inherited Metabolic Diseases, Research centre for medical genetics
Classification: Pathogenic for Mitochondrial DNA depletion syndrome 13. Last evaluated: 2019-07-17. Review status: criteria provided, single submitter. Criteria: ACMG Guidelines, 2015. Collection method: clinical testing. Allele origin: germline. Inheritance: Autosomal recessive inheritance. Affected: yes.
Comment: found in compound with c.1694A>G (p.Asp565Gly)

Literature cited by the submitters: PubMed 23993193 (cited by Labcorp Genetics (formerly Invitae), Labcorp); PubMed 23993194 (cited by Labcorp Genetics (formerly Invitae), Labcorp); PubMed 25868664 (cited by Labcorp Genetics (formerly Invitae), Labcorp).

NM_001278716.2(FBXL4):c.627_633del (p.Asn210fs)

Gene: FBXL4 (F-box and leucine rich repeat protein 4; minus strand). Cytogenetic location: 6q16.2.
Variant type: Deletion.
Coding change: c.627_633del on transcript NM_001278716.2 (MANE Select); coding-DNA positions 627 to 633, 7 bases deleted (AAATAGT; older notation c.627_633delAAATAGT).
Protein change: p.Asn210fs; shifts the reading frame from asparagine 210.
Molecular consequence: frameshift variant.
Genome position (GRCh38, 1-based): chr6:98,917,599-98,917,605, ACTATTT deleted on the plus strand (AAATAGT on the coding strand, the reverse complement: FBXL4 is on the minus strand); deleting any 7 consecutive bases within chr6:98,917,599-98,917,608 gives the same sequence; the c. name uses the placement nearest the transcript's 3' end. VCF-style (leftmost placement, unchanged base first): chr6-98917598-AACTATTT-A. GRCh37 (hg19) VCF-style: chr6-99365474-AACTATTT-A.
Other names: c.627_633del, p.Asn210fs (NM_012160.5); c.627_633del7 (NM_012160.4); short protein forms N210fs.
Identifiers: ClinVar variation 694444 (VCV000694444.6), dbSNP rs1582425360, ClinGen allele CA915944373.